The following is an entry in ClinVar:

ClinVar aggregate classification (germline): Uncertain significance. Review status: criteria provided, multiple submitters, no conflicts (2 of 4 stars). 3 submissions from 3 submitters: Uncertain significance (3). Last evaluated 2024-12-02.

Conditions:
TTC21B-related disorder. Also called: TTC21B-related disorders; TTC21B-related condition.
Nephronophthisis. Also called: Juvenile Nephronophthisis. Identifiers: Orphanet 655, MedGen C0687120, MONDO:0019005, HP:0000090.
Jeune thoracic dystrophy. Also called: Jeune syndrome; Infantile thoracic dystrophy; Thoracic pelvic phalangeal dystrophy; Jeune's syndrome; Chondroectodermal dysplasia-like syndrome; Short-rib thoracic dysplasia. Identifiers: Orphanet 474, MedGen C0265275, MONDO:0018770.

Allele frequency attached by ClinVar (database versions not stated): gnomAD exomes below 0.00001 and 0.00001; ExAC 0.00001; gnomAD 0.00001; TOPMed 0.00001.
gnomAD v4.1: 18 of 1,613,296 alleles (0.0011%); highest among the groups gnomAD compares: South Asian, 0.0022%; no homozygotes.

Submissions (3):

GeneDx
Classification: Uncertain significance. Last evaluated: 2024-12-02. Review status: criteria provided, single submitter. Criteria: GeneDx Variant Classification Process June 2021. Collection method: clinical testing. Allele origin: germline. Affected: yes.
Comment: Not observed at significant frequency in large population cohorts (gnomAD); In silico analysis supports that this missense variant has a deleterious effect on protein structure/function; This variant is associated with the following publications: (PMID: 34426522, 21258341, 33452237, SahinI2023[Article])

PreventionGenetics, part of Exact Sciences
Classification: Uncertain significance for TTC21B-related condition. Last evaluated: 2024-11-20. Review status: criteria provided, single submitter. Criteria: ACMG Guidelines, 2015. Collection method: clinical testing. Allele origin: germline.
Comment: The TTC21B c.2599C>T variant is predicted to result in the amino acid substitution p.Arg867Cys. This variant was reported in the heterozygous state in an individual with a ciliopathy phenotype (Davis et al. 2011. PubMed ID: 21258341). It was also seen, along with a pathogenic variant in the COL4A4 gene in an individual with features of Alport syndrome (Sahin et al. 2023. DOI: 10.1186/s43042-023-00441-x). However, in both patients reported, a second variant affecting the TTC21B gene was not detected. An in vivo experimental study suggests that this variant impact protein function (Davis et al. 2011. PubMed ID: 21258341). This variant is reported in 0.0040% of alleles in individuals of African descent in gnomAD. At this time, the clinical significance of this variant is uncertain due to the absence of conclusive functional and genetic evidence.

Labcorp Genetics (formerly Invitae), Labcorp
Classification: Uncertain significance for Jeune thoracic dystrophy; Nephronophthisis. Last evaluated: 2022-08-10. Review status: criteria provided, single submitter. Criteria: Invitae Variant Classification Sherloc (09022015). Collection method: clinical testing. Allele origin: germline.
Comment: In summary, the available evidence is currently insufficient to determine the role of this variant in disease. Therefore, it has been classified as a Variant of Uncertain Significance. Experimental studies have shown that this missense change affects TTC21B function (PMID: 21258341). Algorithms developed to predict the effect of missense changes on protein structure and function (SIFT, PolyPhen-2, Align-GVGD) all suggest that this variant is likely to be disruptive. ClinVar contains an entry for this variant (Variation ID: 1443615). This variant has not been reported in the literature in individuals affected with TTC21B-related conditions. This variant is present in population databases (rs746700857, gnomAD 0.004%). This sequence change replaces arginine, which is basic and polar, with cysteine, which is neutral and slightly polar, at codon 867 of the TTC21B protein (p.Arg867Cys).

Literature cited by the submitters: PubMed 21258341 (cited by Labcorp Genetics (formerly Invitae), Labcorp).

NM_024753.5(TTC21B):c.2599C>T (p.Arg867Cys)

Gene: TTC21B (tetratricopeptide repeat domain 21B; minus strand). Cytogenetic location: 2q24.3.
Variant type: single nucleotide variant.
Coding change: c.2599C>T on transcript NM_024753.5 (MANE Select); coding-DNA position 2599, C replaced by T.
Protein change: p.Arg867Cys; replaces arginine 867 with cysteine.
Molecular consequence: missense variant.
Genome position (GRCh38, 1-based): chr2:165,901,880, G>A on the plus strand (C>T on the coding strand, the complement: TTC21B is on the minus strand). VCF-style: chr2-165901880-G-A. GRCh37 (hg19) VCF-style: chr2-166758390-G-A.
Other names: c.2599C>T (NM_024753.4); short protein forms R867C.
Identifiers: ClinVar variation 1443615 (VCV001443615.10), dbSNP rs746700857, ClinGen allele CA1941768.